The following is an entry in ClinVar:

ClinVar aggregate classification (germline): Uncertain significance (1 of 4 stars; one submission).

Allele frequency attached by ClinVar (database versions not stated): gnomAD 0.00011; TOPMed 0.00020; ExAC 0.00027; ESP Exome Variant Server 0.00031.

Submission:

Ambry Genetics
Classification: Uncertain significance. Last evaluated: 2021-07-14. Review status: criteria provided, single submitter. Criteria: Ambry Variant Classification Scheme 2023. Collection method: clinical testing. Allele origin: germline.

NM_007124.3(UTRN):c.1558C>T (p.Arg520Cys)

Gene: UTRN (utrophin; plus strand). Cytogenetic location: 6q24.2.
Variant type: single nucleotide variant.
Coding change: c.1558C>T on transcript NM_007124.3 (MANE Select); coding-DNA position 1558, C replaced by T.
Protein change: p.Arg520Cys; replaces arginine 520 with cysteine.
Molecular consequence: missense variant.
Genome position (GRCh38, 1-based): chr6:144,444,326, C>T. VCF-style: chr6-144444326-C-T. GRCh37 (hg19) VCF-style: chr6-144765462-C-T.
Other names: short protein forms R520C.
Identifiers: ClinVar variation 2365475 (VCV002365475.3), dbSNP rs147779975, ClinGen allele CA4032311.